The following is an entry in ClinVar:

ClinVar aggregate classification (germline): Likely pathogenic. Review status: criteria provided, single submitter (1 of 4 stars). 2 submissions from 2 submitters: Likely pathogenic (1). 1 of the submissions does not count toward it. Last evaluated 2024-12-12.

Conditions:
Complex cortical dysplasia with other brain malformations 2. Identifiers: MedGen C3809013, MONDO:0014116, OMIM 615282.

Submissions (2):

Institute of Human Genetics, University of Leipzig Medical Center
Classification: Likely pathogenic for Complex cortical dysplasia with other brain malformations 2. Last evaluated: 2024-12-12. Review status: criteria provided, single submitter. Criteria: ACMG Guidelines, 2015. Collection method: literature only. Allele origin: de novo. Affected: yes.
Comment: PS2, PS4_moderate, PM1, PM5_supporting, PM2, PP2, PP3

OMIM
Classification: Pathogenic for CORTICAL DYSPLASIA, COMPLEX, WITH OTHER BRAIN MALFORMATIONS 2. Last evaluated: 2013-06-01. Review status: no assertion criteria provided. Collection method: literature only. Allele origin: germline. Not counted in ClinVar's aggregate classification.

Literature cited by the submitters: PubMed 23603762 (cited by Institute of Human Genetics, University of Leipzig Medical Center and OMIM).

NM_004522.3(KIF5C):c.710A>T (p.Glu237Val)

Gene: KIF5C (kinesin family member 5C; plus strand). Cytogenetic location: 2q23.1.
Variant type: single nucleotide variant.
Coding change: c.710A>T on transcript NM_004522.3 (MANE Select); coding-DNA position 710, A replaced by T.
Protein change: p.Glu237Val; replaces glutamic acid 237 with valine.
Molecular consequence: missense variant.
Genome position (GRCh38, 1-based): chr2:148,947,019, A>T. VCF-style: chr2-148947019-A-T. GRCh37 (hg19) VCF-style: chr2-149803533-A-T.
Other names: short protein forms E237V.
Identifiers: ClinVar variation 65402 (VCV000065402.2), dbSNP rs587777035, ClinGen allele CA144770.
Genomic context (GRCh38, chr2:148,947,019, plus strand): 5'-ATGTAGAGACTGAAAAAAAACTCAGTGGGAAACTTTATTTGGTTGATTTGGCTGGGAGCG[A>T]AAAGGTAATTTGTTCTTTATTTGTATTATCTATAATTTTCCCCTTTTATTTGCTTCATTG-3'
Protein context (NP_004513.1, residues 227-247): KLYLVDLAGS[Glu237Val]KVSKTGAEGA